The following is an entry in ClinVar:

ClinVar aggregate classification (germline): Conflicting classifications of pathogenicity. Review status: criteria provided, conflicting classifications (1 of 4 stars). 4 submissions from 4 submitters: Uncertain significance (3); Likely benign (1). Last evaluated 2025-11-11.

Allele frequency attached by ClinVar (database versions not stated): gnomAD 0.00004; gnomAD exomes 0.00004; ExAC 0.00005; TOPMed 0.00003.
gnomAD v4.1: 59 of 1,613,890 alleles (0.0037%); highest among the groups gnomAD compares: Non-Finnish European, 0.0049%; no homozygotes.

Submissions (4):

Labcorp Genetics (formerly Invitae), Labcorp
Classification: Likely benign. Last evaluated: 2025-11-11. Review status: criteria provided, single submitter. Criteria: Invitae Variant Classification Sherloc (09022015). Collection method: clinical testing. Allele origin: germline.

GeneDx
Classification: Uncertain significance. Last evaluated: 2024-11-19. Review status: criteria provided, single submitter. Criteria: GeneDx Variant Classification Process June 2021. Collection method: clinical testing. Allele origin: germline. Affected: yes.
Comment: Has not been previously published as pathogenic or benign to our knowledge; In silico analysis supports that this missense variant has a deleterious effect on protein structure/function; Not located in the triple helical region, where the majority of pathogenic missense variants occur (HGMD; PMID: 25240749); Also known as p.(H1187L); This variant is associated with the following publications: (PMID: 25240749)

Blueprint Genetics
Classification: Uncertain significance. Last evaluated: 2024-07-26. Review status: criteria provided, single submitter. Criteria: ACMG Guidelines, 2015. Collection method: clinical testing. Allele origin: germline.

CeGaT Center for Human Genetics Tuebingen
Classification: Uncertain significance. Last evaluated: 2023-01-01. Review status: criteria provided, single submitter. Criteria: CeGaT Center For Human Genetics Tuebingen Variant Classification Criteria Version 2. Collection method: clinical testing. Allele origin: germline. Affected: yes. Observed: 1 variant allele.

NM_001854.4(COL11A1):c.5144A>T (p.His1715Leu)

Genes: COL11A1 (collagen type XI alpha 1 chain; minus strand), LOC126805814 (P300/CBP strongly-dependent group 1 enhancer GRCh37_chr1:103344928-103346127; plus strand). Cytogenetic location: 1p21.1.
Variant type: single nucleotide variant.
Coding change: c.5144A>T on transcript NM_001854.4 (MANE Select); coding-DNA position 5144, A replaced by T.
Protein change: p.His1715Leu; replaces histidine 1715 with leucine.
Molecular consequence: missense variant. On other transcripts: non-coding transcript variant (1).
Genome position (GRCh38, 1-based): chr1:102,879,813, T>A on the plus strand (A>T on the coding strand, the complement: COL11A1 is on the minus strand). VCF-style: chr1-102879813-T-A. GRCh37 (hg19) VCF-style: chr1-103345369-T-A.
Other names: c.5027A>T, p.His1676Leu (NM_001190709.2); c.5180A>T, p.His1727Leu (NM_080629.3); c.4796A>T, p.His1599Leu (NM_080630.4); short protein forms H1715L, H1676L, H1599L, H1727L.
Identifiers: ClinVar variation 1449987 (VCV001449987.33), dbSNP rs199576799, ClinGen allele CA973294.